The following is an entry in ClinVar:

NM_001034116.2(EIF2B4):c.32-55C>T

Gene: EIF2B4 (eukaryotic translation initiation factor 2B subunit delta; minus strand). Cytogenetic location: 2p23.3.
Variant type: single nucleotide variant.
Coding change: c.32-55C>T on transcript NM_001034116.2 (MANE Select); 55 bases into the intron before coding-DNA position 32, C replaced by T.
Molecular consequence: intron variant. On other transcripts: missense variant (2), 5 prime UTR variant (1).
Genome position (GRCh38, 1-based): chr2:27,369,974, G>A on the plus strand (C>T on the coding strand, the complement: EIF2B4 is on the minus strand). VCF-style: chr2-27369974-G-A. GRCh37 (hg19) VCF-style: chr2-27592841-G-A.
Other names: c.40C>T, p.Pro14Ser (NM_001318965.2, NM_172195.4); c.-539C>T (NM_001318968.2); c.-55-55C>T (NM_001318967.2); c.32-55C>T (NM_015636.4); c.-561-55C>T (NM_001318969.2); c.-14-55C>T (NM_001318966.2); short protein forms P14S.
Identifiers: ClinVar variation 1030426 (VCV001030426.1), dbSNP rs1682257634, ClinGen allele CA346204195.
Genomic context (GRCh38, chr2:27,369,974, plus strand): 5'-CCGAGTCTGCATCAGAAAACAGGGCACAAAGTGAGCCAGAGAGACTCCGGGAGGGTTTGG[G>A]GGCACGAGTACTCGGCGCAGCCGGCTGCTGGGTTGGCATGACCACGGATCCGCCGGCAGG-3'

ClinVar aggregate classification (germline): Uncertain significance (1 of 4 stars; one submission).

Conditions:
Vanishing white matter disease. Also called: CACH syndrome; Childhood ataxia with diffuse central nervous system hypomyelination; Leukoencephalopathy with vanishing white matter; CACH/VWM syndrome; Cree leukoencehalopathy. Identifiers: Orphanet 135, Orphanet 99853, MedGen C1858991, MONDO:0800448.

Allele frequency attached by ClinVar (database versions not stated): gnomAD exomes below 0.00001.

Submission:

Baylor Genetics
Classification: Uncertain significance for Leukoencephalopathy with vanishing white matter 1. Last evaluated: 2020-01-24. Review status: criteria provided, single submitter. Criteria: ACMG Guidelines, 2015. Collection method: clinical testing. Allele origin: unknown. Affected: yes.
Comment: This variant was determined to be of uncertain significance according to ACMG Guidelines, 2015 [PMID:25741868].